The following is an entry in ClinVar:

ClinVar aggregate classification (germline): Uncertain significance. Review status: criteria provided, multiple submitters, no conflicts (2 of 4 stars). 2 submissions from 2 submitters: Uncertain significance (2). Last evaluated 2024-08-13.

Conditions:
Familial isolated arrhythmogenic right ventricular dysplasia. Identifiers: Orphanet 217656, MedGen C4274968, MONDO:0016342.
Cardiovascular phenotype. Identifiers: MedGen CN230736.

gnomAD v4.1: 3 of 1,613,982 alleles (0.00019%); no homozygotes.

Submissions (2):

All of Us Research Program, National Institutes of Health
Classification: Uncertain significance for Familial isolated arrhythmogenic right ventricular dysplasia. Last evaluated: 2024-08-13. Review status: criteria provided, single submitter. Criteria: ACMG Guidelines, 2015. Collection method: clinical testing. Allele origin: germline. Inheritance: Autosomal dominant inheritance. Observed: 3 variant alleles, 3 heterozygotes.
Comment: This missense variant replaces cysteine with serine at codon 671 of the DSC2 protein. Computational prediction is inconclusive regarding the impact of this variant on protein structure and function (internally defined REVEL score threshold 0.5 < inconclusive < 0.7, PMID: 27666373). To our knowledge, functional studies have not been reported for this variant. This variant has not been reported in individuals affected with DSC2-related disorders in the literature. This variant has not been identified in the general population by the Genome Aggregation Database (gnomAD). The available evidence is insufficient to determine the role of this variant in disease conclusively. Therefore, this variant is classified as a Variant of Uncertain Significance.

This study involves interpretation of variants in research participants for the purpose of population health screening. Participant phenotype was not available at the time of variant classification. Additional details can be found in publication PMID: 35346344, PMCID: PMC8962531

Ambry Genetics
Classification: Uncertain significance for Cardiovascular phenotype. Last evaluated: 2023-11-26. Review status: criteria provided, single submitter. Criteria: Ambry Variant Classification Scheme 2023. Collection method: clinical testing. Allele origin: germline.
Comment: The p.C671S variant (also known as c.2012G>C), located in coding exon 13 of the DSC2 gene, results from a G to C substitution at nucleotide position 2012. The cysteine at codon 671 is replaced by serine, an amino acid with dissimilar properties. This amino acid position is conserved. In addition, the in silico prediction for this alteration is inconclusive. Since supporting evidence is limited at this time, the clinical significance of this alteration remains unclear.

NM_024422.6(DSC2):c.2012G>C (p.Cys671Ser)

Gene: DSC2 (desmocollin 2; minus strand). Cytogenetic location: 18q12.1.
Variant type: single nucleotide variant.
Coding change: c.2012G>C on transcript NM_024422.6 (MANE Select); coding-DNA position 2012, G replaced by C.
Protein change: p.Cys671Ser; replaces cysteine 671 with serine.
Molecular consequence: missense variant.
Genome position (GRCh38, 1-based): chr18:31,071,718, C>G on the plus strand (G>C on the coding strand, the complement: DSC2 is on the minus strand). VCF-style: chr18-31071718-C-G. GRCh37 (hg19) VCF-style: chr18-28651684-C-G.
Other names: c.1583G>C, p.Cys528Ser (NM_001406506.1, NM_001406507.1); c.2012G>C, p.Cys671Ser (NM_004949.5); c.2012G>C (NM_024422.3); short protein forms C528S, C671S.
Identifiers: ClinVar variation 3071839 (VCV003071839.3), dbSNP rs1379363944, ClinGen allele CA402113145.
Genomic context (GRCh38, chr18:31,071,718, plus strand): 5'-TGTACTCCTCCACCGCCAATCCTTGGATCTACACGATGTGTGCAGTCATTTTCGGTAATG[C>G]AGTCACACAGTGTAACATCCAATGAAGTGACACTAGACATGCCAAGTCTATCTCTCACTG-3'
Protein context (NP_077740.1, residues 661-681): VTSLDVTLCD[Cys671Ser]ITENDCTHRV